The following is an entry in ClinVar:

NM_001077653.2(TBX20):c.375G>A (p.Ser125=)

Gene: TBX20 (T-box transcription factor 20; minus strand). Cytogenetic location: 7p14.2.
Variant type: single nucleotide variant.
Coding change: c.375G>A on transcript NM_001077653.2 (MANE Select); coding-DNA position 375, G replaced by A.
Protein change: p.Ser125=; no amino-acid change (serine 125 retained).
Molecular consequence: synonymous variant.
Genome position (GRCh38, 1-based): chr7:35,249,956, C>T on the plus strand (G>A on the coding strand, the complement: TBX20 is on the minus strand). VCF-style: chr7-35249956-C-T. GRCh37 (hg19) VCF-style: chr7-35289568-C-T.
Other names: c.375G>A, p.Ser125= (NM_001166220.1).
Identifiers: ClinVar variation 3966259 (VCV003966259.1).
Genomic context (GRCh38, chr7:35,249,956, plus strand): 5'-CCAGGGAGTGTCCTGACTCTCCACCCCCAACCCCCAACCCCCAAGTCCCAACTACCTGCC[C>T]GACTTGGTGATGATCATCTCGGTGCCCAGCTCATGGAATTTGTCCCAAAGCTCCTTGGTC-3'
Protein context (NP_001071121.1, residues 115-135): ELGTEMIITK[Ser125=]GRRMFPTIRV

ClinVar aggregate classification (germline): Uncertain significance (1 of 4 stars; one submission).

Conditions:
Cardiovascular phenotype. Identifiers: MedGen CN230736.

gnomAD v4.1: 3 of 1,602,178 alleles (0.00019%); highest among the groups gnomAD compares: Admixed American, 0.0017%; no homozygotes.

Submission:

Ambry Genetics
Classification: Uncertain significance for Cardiovascular phenotype. Last evaluated: 2025-05-23. Review status: criteria provided, single submitter. Criteria: Ambry Variant Classification Scheme 2023. Collection method: clinical testing. Allele origin: germline.
Comment: The c.375G>A variant (also known as p.S125S), located in coding exon 2 of the TBX20 gene, results from a G to A substitution at nucleotide position 375. This nucleotide substitution does not change the amino acid at codon 125. This nucleotide position is poorly conserved in available vertebrate species. In silico splice site analysis predicts that this alteration may result in the creation or strengthening of a novel splice donor site. Based on the available evidence, the clinical significance of this variant remains unclear.